The following is an entry in ClinVar:

NM_001134363.3(RBM20):c.1787A>C (p.Glu596Ala)

Gene: RBM20 (RNA binding motif protein 20; plus strand). Cytogenetic location: 10q25.2.
Variant type: single nucleotide variant.
Coding change: c.1787A>C on transcript NM_001134363.3 (MANE Select); coding-DNA position 1787, A replaced by C.
Protein change: p.Glu596Ala; replaces glutamic acid 596 with alanine.
Molecular consequence: missense variant.
Genome position (GRCh38, 1-based): chr10:110,799,905, A>C. VCF-style: chr10-110799905-A-C. GRCh37 (hg19) VCF-style: chr10-112559663-A-C.
Other names: short protein forms E596A.
Identifiers: ClinVar variation 538019 (VCV000538019.8), dbSNP rs1554901133, ClinGen allele CA378390887.
Genomic context (GRCh38, chr10:110,799,905, plus strand): 5'-AAAAATCTGCTGTGATCAATGGTGAGAAGTTGCTCATTCGGATGTCCAAGAGATACAAGG[A>C]ATTGCAGCTCAAGGTAAAGCATTATCTTGCTCATTCAGTCATTCAACAAGCACCAGATGA-3'
Protein context (NP_001127835.2, residues 586-606): LLIRMSKRYK[Glu596Ala]LQLKKPGKAV

ClinVar aggregate classification (germline): Uncertain significance (1 of 4 stars; one submission).

Conditions:
Dilated cardiomyopathy 1DD (CMD1DD). Identifiers: Orphanet 154, MedGen C2750995, MONDO:0013168, OMIM 613172.

Allele frequency attached by ClinVar (database versions not stated): gnomAD exomes below 0.00001.
gnomAD v4.1: 1 of 1,552,050 alleles (0.000064%); highest among the groups gnomAD compares: Non-Finnish European, 0.000087%; no homozygotes.

Submission:

Labcorp Genetics (formerly Invitae), Labcorp
Classification: Uncertain significance for Dilated cardiomyopathy 1DD. Last evaluated: 2024-10-17. Review status: criteria provided, single submitter. Criteria: Invitae Variant Classification Sherloc (09022015). Collection method: clinical testing. Allele origin: germline.
Comment: This sequence change replaces glutamic acid, which is acidic and polar, with alanine, which is neutral and non-polar, at codon 596 of the RBM20 protein (p.Glu596Ala). This variant is not present in population databases (gnomAD no frequency). This missense change has been observed in individual(s) with clinical features of RBM20-related conditions (internal data). ClinVar contains an entry for this variant (Variation ID: 538019). Invitae Evidence Modeling of protein sequence and biophysical properties (such as structural, functional, and spatial information, amino acid conservation, physicochemical variation, residue mobility, and thermodynamic stability) has been performed for this missense variant. However, the output from this modeling did not meet the statistical confidence thresholds required to predict the impact of this variant on RBM20 protein function. In summary, the available evidence is currently insufficient to determine the role of this variant in disease. Therefore, it has been classified as a Variant of Uncertain Significance.